The following is an entry in ClinVar:

NM_000465.4(BARD1):c.1663A>G (p.Ser555Gly)

Gene: BARD1 (BRCA1 associated RING domain 1; minus strand). Cytogenetic location: 2q35.
Variant type: single nucleotide variant.
Coding change: c.1663A>G on transcript NM_000465.4 (MANE Select); coding-DNA position 1663, A replaced by G.
Protein change: p.Ser555Gly; replaces serine 555 with glycine.
Molecular consequence: missense variant. On other transcripts: non-coding transcript variant (3), intron variant (1).
Genome position (GRCh38, 1-based): chr2:214,752,461, T>C on the plus strand (A>G on the coding strand, the complement: BARD1 is on the minus strand). VCF-style: chr2-214752461-T-C. GRCh37 (hg19) VCF-style: chr2-215617185-T-C.
Other names: c.1606A>G, p.Ser536Gly (NM_001282543.2); c.310A>G, p.Ser104Gly (NM_001282545.2); c.253A>G, p.Ser85Gly (NM_001282548.2); c.365-21953A>G (NM_001282549.2); short protein forms S104G, S85G, S555G, S536G.
Identifiers: ClinVar variation 2774780 (VCV002774780.2), dbSNP rs2469377639, ClinGen allele CA350454589.

ClinVar aggregate classification (germline): Uncertain significance (1 of 4 stars; one submission).

Conditions:
Hereditary cancer-predisposing syndrome. Also called: Neoplastic Syndromes, Hereditary; Tumor predisposition; Hereditary Cancer Syndrome; Hereditary neoplastic syndrome. Identifiers: Orphanet 140162, MedGen C0027672, MeSH D009386, MONDO:0015356.

Submission:

Color Diagnostics, LLC DBA Color Health
Classification: Uncertain significance for Hereditary cancer-predisposing syndrome. Last evaluated: 2023-12-27. Review status: criteria provided, single submitter. Criteria: ACMG Guidelines, 2015. Collection method: clinical testing. Allele origin: germline.
Comment: This missense variant replaces serine with glycine at codon 555 of the BARD1 protein. Computational prediction suggests that this variant may not impact protein structure and function (internally defined REVEL score threshold <= 0.5, PMID: 27666373). To our knowledge, functional studies have not been reported for this variant. This variant has not been reported in individuals affected with BARD1-related disorders in the literature. This variant has not been identified in the general population by the Genome Aggregation Database (gnomAD). The available evidence is insufficient to determine the role of this variant in disease conclusively. Therefore, this variant is classified as a Variant of Uncertain Significance.